The following is an entry in ClinVar:

NM_000051.4(ATM):c.72+5_72+6delinsCTT

Gene: ATM (ATM serine/threonine kinase; plus strand). Cytogenetic location: 11q22.3.
Variant type: Indel.
Coding change: c.72+5_72+6delinsCTT on transcript NM_000051.4 (MANE Select); bases 5 to 6 of the intron after coding-DNA position 72, TA replaced by CTT.
Molecular consequence: intron variant.
Genome position (GRCh38, 1-based): chr11:108,227,701-108,227,702, TA replaced by CTT. VCF-style: chr11-108227701-TA-CTT. GRCh37 (hg19) VCF-style: chr11-108098428-TA-CTT.
Other names: c.72+5_72+6delTAinsCTT (NM_000051.3); c.72+5_72+6delinsCTT (NM_001351834.2, NM_001351835.2, NM_001351836.2).
Identifiers: ClinVar variation 510910 (VCV000510910.1), dbSNP rs1555053982, ClinGen allele CA658797771.
Genomic context (GRCh38, chr11:108,227,701, plus strand): 5'-ATGATCTGCTTATCTGCTGCCGTCAACTAGAACATGATAGAGCTACAGAACGAAAGGTAG[TA>CTT]AATTACTTAAATTCAATTTTTCCTTGAAATAAGTGTGATTAGTAACCCATTATTATTTCC-3'

ClinVar aggregate classification (germline): Likely benign (1 of 4 stars; one submission).

Submission:

GeneDx
Classification: Likely benign. Last evaluated: 2017-07-20. Review status: criteria provided, single submitter. Criteria: GeneDx Variant Classification (06012015). Collection method: clinical testing. Allele origin: germline. Affected: yes.
Comment: This variant is considered likely benign or benign based on one or more of the following criteria: it is a conservative change, it occurs at a poorly conserved position in the protein, it is predicted to be benign by multiple in silico algorithms, and/or has population frequency not consistent with disease.